The following is an entry in ClinVar:

NM_000179.3(MSH6):c.2021G>A (p.Gly674Glu)

Gene: MSH6 (mutS homolog 6; plus strand). Cytogenetic location: 2p16.3.
Variant type: single nucleotide variant.
Coding change: c.2021G>A on transcript NM_000179.3 (MANE Select); coding-DNA position 2021, G replaced by A.
Protein change: p.Gly674Glu; replaces glycine 674 with glutamic acid.
Molecular consequence: missense variant.
Genome position (GRCh38, 1-based): chr2:47,800,004, G>A. VCF-style: chr2-47800004-G-A. GRCh37 (hg19) VCF-style: chr2-48027143-G-A.
Other names: c.1115G>A, p.Gly372Glu (NM_001406812.1, NM_001406816.1, NM_001406814.1 and 6 more transcripts); c.1724G>A, p.Gly575Glu (NM_001406818.1, NM_001406819.1, NM_001406820.1 and 10 more transcripts); c.2027G>A, p.Gly676Glu (NM_001406813.1); c.1853G>A, p.Gly618Glu (NM_001406826.1); c.1631G>A, p.Gly544Glu (NM_001281492.2); c.2117G>A, p.Gly706Glu (NM_001406795.1, NM_001406802.1); c.2021G>A, p.Gly674Glu (NM_001406796.1, NM_001406798.1, NM_001406800.1 and 3 more transcripts); c.1496G>A, p.Gly499Glu (NM_001406799.1, NM_001406806.1, NM_001406807.1); and 1 more; short protein forms G372E, G575E, G544E, G618E, G648E, G706E, G676E, G499E.
Identifiers: ClinVar variation 1784569 (VCV001784569.2), dbSNP rs1064795598, ClinGen allele CA346750702.

ClinVar aggregate classification (germline): Uncertain significance (1 of 4 stars; one submission).

Conditions:
Hereditary cancer-predisposing syndrome. Also called: Neoplastic Syndromes, Hereditary; Tumor predisposition; Hereditary Cancer Syndrome; Hereditary neoplastic syndrome. Identifiers: Orphanet 140162, MedGen C0027672, MeSH D009386, MONDO:0015356.

Submission:

Ambry Genetics
Classification: Uncertain significance for Hereditary cancer-predisposing syndrome. Last evaluated: 2019-08-21. Review status: criteria provided, single submitter. Criteria: Ambry Variant Classification Scheme 2023. Collection method: clinical testing. Allele origin: germline.
Comment: The p.G674E variant (also known as c.2021G>A), located in coding exon 4 of the MSH6 gene, results from a G to A substitution at nucleotide position 2021. The glycine at codon 674 is replaced by glutamic acid, an amino acid with similar properties. This amino acid position is not well conserved in available vertebrate species. In addition, the in silico prediction for this alteration is inconclusive. Since supporting evidence is limited at this time, the clinical significance of this alteration remains unclear.